The following is an entry in ClinVar:

NC_000019.9:g.(?_11094828)_(11172492_?)del

Gene: SMARCA4 (SWI/SNF related BAF chromatin remodeling complex subunit ATPase 4; plus strand). Cytogenetic location: 19p13.2.
Variant type: Deletion.
Identifiers: ClinVar variation 2423781 (VCV002423781.3).

ClinVar aggregate classification (germline): Pathogenic (1 of 4 stars; one submission).

Conditions:
Rhabdoid tumor predisposition syndrome 2 (RTPS2). Identifiers: Orphanet 231108, Orphanet 69077, MedGen C2750074, MONDO:0013224, OMIM 613325.

Submission:

Labcorp Genetics (formerly Invitae), Labcorp
Classification: Pathogenic for Rhabdoid tumor predisposition syndrome 2. Last evaluated: 2021-10-12. Review status: criteria provided, single submitter. Criteria: Invitae Variant Classification Sherloc (09022015). Collection method: clinical testing. Allele origin: germline.
Comment: A gross deletion of the genomic region encompassing the full coding sequence of the SMARCA4 gene has been identified. Loss-of-function variants in SMARCA4 are known to be pathogenic (PMID: 24658001, 24658002). The boundaries of this event are unknown as they extend beyond the assayed region for this gene and therefore may encompass additional genes. This variant has not been reported in the literature in individuals affected with SMARCA4-related conditions. For these reasons, this variant has been classified as Pathogenic.

Literature cited by the submitters: PubMed 24658001; PubMed 24658002.